The following is an entry in ClinVar:

ClinVar aggregate classification (germline): Uncertain significance (1 of 4 stars; one submission).

Conditions:
Perlman syndrome (PRLMNS). Identifiers: Orphanet 2849, MedGen C0796113, MONDO:0009965, OMIM 267000.

Allele frequency attached by ClinVar (database versions not stated): gnomAD exomes below 0.00001; TOPMed below 0.00001.
gnomAD v4.1: 1 of 1,607,140 alleles (0.000062%); highest among the groups gnomAD compares: African/African-American, 0.0013%; no homozygotes.

Submission:

Labcorp Genetics (formerly Invitae), Labcorp
Classification: Uncertain significance for Perlman syndrome. Last evaluated: 2023-08-02. Review status: criteria provided, single submitter. Criteria: Invitae Variant Classification Sherloc (09022015). Collection method: clinical testing. Allele origin: germline.
Comment: This sequence change falls in intron 20 of the DIS3L2 gene. It does not directly change the encoded amino acid sequence of the DIS3L2 protein. This variant is not present in population databases (gnomAD no frequency). This variant has not been reported in the literature in individuals affected with DIS3L2-related conditions. ClinVar contains an entry for this variant (Variation ID: 2044211). Algorithms developed to predict the effect of sequence changes on RNA splicing suggest that this variant may disrupt the consensus splice site. In summary, the available evidence is currently insufficient to determine the role of this variant in disease. Therefore, it has been classified as a Variant of Uncertain Significance.

NM_152383.5(DIS3L2):c.2497-12G>T

Gene: DIS3L2 (DIS3 like 3'-5' exoribonuclease 2; plus strand). Cytogenetic location: 2q37.1.
Variant type: single nucleotide variant.
Coding change: c.2497-12G>T on transcript NM_152383.5 (MANE Select); 12 bases into the intron before coding-DNA position 2497, G replaced by T.
Molecular consequence: intron variant. On other transcripts: non-coding transcript variant (1).
Genome position (GRCh38, 1-based): chr2:232,336,457, G>T. VCF-style: chr2-232336457-G-T. GRCh37 (hg19) VCF-style: chr2-233201167-G-T.
Other names: c.1582-6888G>T (NM_001257281.2).
Identifiers: ClinVar variation 2044211 (VCV002044211.4), dbSNP rs1695952397, ClinGen allele CA1335216191.